The following is an entry in ClinVar:

ClinVar aggregate classification (germline): Uncertain significance (1 of 4 stars; one submission).

Submission:

Labcorp Genetics (formerly Invitae), Labcorp
Classification: Uncertain significance. Last evaluated: 2025-11-25. Review status: criteria provided, single submitter. Criteria: Invitae Variant Classification Sherloc (09022015). Collection method: clinical testing. Allele origin: germline.
Comment: This sequence change creates a premature translational stop signal (p.Arg337Leufs*4) in the NEK2 gene. It is expected to result in an absent or disrupted protein product. However, the current clinical and genetic evidence is not sufficient to establish whether loss-of-function variants in NEK2 cause disease. This variant is present in population databases (no rsID available, gnomAD 0.003%). This variant has not been reported in the literature in individuals affected with NEK2-related conditions. In summary, the available evidence is currently insufficient to determine the role of this variant in disease. Therefore, it has been classified as a Variant of Uncertain Significance.

NM_002497.4(NEK2):c.1010del (p.Arg337fs)

Gene: NEK2 (NIMA related kinase 2; minus strand). Cytogenetic location: 1q32.3.
Variant type: Deletion.
Coding change: c.1010del on transcript NM_002497.4 (MANE Select); coding-DNA position 1010, one base deleted (G; older notation c.1010delG).
Protein change: p.Arg337fs; shifts the reading frame from arginine 337.
Molecular consequence: frameshift variant.
Genome position (GRCh38, 1-based): chr1:211,667,207, C deleted on the plus strand (G on the coding strand, the reverse complement: NEK2 is on the minus strand). VCF-style (leftmost placement, unchanged base first): chr1-211667206-AC-A. GRCh37 (hg19) VCF-style: chr1-211840548-AC-A.
Other names: c.1010del, p.Arg337fs (NM_001204182.2, NM_001204183.2); short protein forms R337fs.
Identifiers: ClinVar variation 4696508 (VCV004696508.1).